The following is an entry in ClinVar:

NM_004168.4(SDHA):c.1992C>T (p.Tyr664=)

Gene: SDHA (succinate dehydrogenase complex flavoprotein subunit A; plus strand). Cytogenetic location: 5p15.33.
Variant type: single nucleotide variant.
Coding change: c.1992C>T on transcript NM_004168.4 (MANE Select); coding-DNA position 1992, C replaced by T.
Protein change: p.Tyr664=; no amino-acid change (tyrosine 664 retained).
Molecular consequence: synonymous variant.
Genome position (GRCh38, 1-based): chr5:256,417, C>T. VCF-style: chr5-256417-C-T. GRCh37 (hg19) VCF-style: chr5-256532-C-T.
Other names: c.1848C>T, p.Tyr616= (NM_001294332.2); c.1749C>T, p.Tyr583= (NM_001330758.2).
Identifiers: ClinVar variation 3904554 (VCV003904554.1).
Genomic context (GRCh38, chr5:256,417, plus strand): 5'-GATCGACAAAACTTTGAACGAGGCTGACTGTGCCACCGTCCCGCCAGCCATTCGCTCCTA[C>T]TGATGAGACAAGATGTGGTGATGACAGAATCAGCTTTTGTAATTATGTATAATAGCTCAT-3'
Protein context (NP_004159.2, residues 654-664): CATVPPAIRS[Tyr664=]

ClinVar aggregate classification (germline): Benign (1 of 4 stars; one submission).

Conditions:
Pheochromocytoma/paraganglioma syndrome 5. Also called: Paragangliomas 5; SDHA-Related Hereditary Paraganglioma-Pheochromocytoma Syndrome. Identifiers: Orphanet 29072, MedGen C3279992, MONDO:0013602, OMIM 614165.

gnomAD v4.1: 2 of 1,611,528 alleles (0.00012%); highest among the groups gnomAD compares: Non-Finnish European, 0.00017%; no homozygotes.

Submission:

Myriad Genetics, Inc.
Classification: Benign for Pheochromocytoma/paraganglioma syndrome 5. Last evaluated: 2025-03-11. Review status: criteria provided, single submitter. Criteria: Myriad Autosomal Dominant, Autosomal Recessive and X-Linked Classification Criteria (2023). Collection method: clinical testing. Allele origin: unknown.
Comment: This variant is considered benign. This variant is a silent/synonymous amino acid change and it is not expected to impact splicing.